The following is an entry in ClinVar:

NM_024809.5(TCTN2):c.1643C>T (p.Pro548Leu)

Gene: TCTN2 (tectonic family member 2; plus strand). Cytogenetic location: 12q24.31.
Variant type: single nucleotide variant.
Coding change: c.1643C>T on transcript NM_024809.5 (MANE Select); coding-DNA position 1643, C replaced by T.
Protein change: p.Pro548Leu; replaces proline 548 with leucine.
Molecular consequence: missense variant.
Genome position (GRCh38, 1-based): chr12:123,704,562, C>T. VCF-style: chr12-123704562-C-T. GRCh37 (hg19) VCF-style: chr12-124189109-C-T.
Other names: c.1640C>T, p.Pro547Leu (NM_001143850.3); short protein forms P547L, P548L.
Identifiers: ClinVar variation 696138 (VCV000696138.16), dbSNP rs199931630, ClinGen allele CA6861291.
Genomic context (GRCh38, chr12:123,704,562, plus strand): 5'-TGAAAAGTGTATAACTTAACATTTCTATAGGTGTAGATGCCCCTGATCCAGGTGCAGACC[C>T]GCTGGCTAGCAGTGTGAACGGCATGTGCCTGGATATTCCTGCTCACCTGAGCATCCGCAT-3'
Protein context (NP_079085.2, residues 538-558): RVDAPDPGAD[Pro548Leu]LASSVNGMCL

ClinVar aggregate classification (germline): Benign/Likely benign. Review status: criteria provided, multiple submitters, no conflicts (2 of 4 stars). 4 submissions from 4 submitters: Benign (1); Likely benign (2). 1 of the submissions does not count toward it. Last evaluated 2026-01-28.

Conditions:
TCTN2-related disorder. Also called: TCTN2-related disorders; TCTN2-related condition. Identifiers: MedGen CN239412.
Joubert syndrome. Also called: Familial aplasia of the vermis; JOUBERT-BOLTSHAUSER SYNDROME. Identifiers: Orphanet 475, MedGen C5979921, MONDO:0018772.
Meckel-Gruber syndrome. Also called: DYSENCEPHALIA SPLANCHNOCYSTICA; GRUBER SYNDROME; Dysencephalia splachnocystica. Identifiers: Orphanet 564, MedGen C0265215, MONDO:0018921.

Allele frequency attached by ClinVar (database versions not stated): ESP Exome Variant Server 0.00015; gnomAD exomes 0.00015 and 0.00061; gnomAD 0.00027 and 0.00036; TOPMed 0.00028; ExAC 0.00058; 1000 Genomes Project 30x 0.00265; 1000 Genomes Project 0.00300.
gnomAD v4.1: 317 of 1,610,554 alleles (0.02%); highest among the groups gnomAD compares: East Asian, 0.47%; 5 homozygotes.

Submissions (4):

Labcorp Genetics (formerly Invitae), Labcorp
Classification: Benign for Joubert syndrome; Meckel-Gruber syndrome. Last evaluated: 2026-01-28. Review status: criteria provided, single submitter. Criteria: Invitae Variant Classification Sherloc (09022015). Collection method: clinical testing. Allele origin: germline.

Blueprint Genetics
Classification: Likely benign. Last evaluated: 2024-08-20. Review status: criteria provided, single submitter. Criteria: ACMG Guidelines, 2015. Collection method: clinical testing. Allele origin: germline.

GeneDx
Classification: Likely benign. Last evaluated: 2019-11-26. Review status: criteria provided, single submitter. Criteria: GeneDx Variant Classification Process June 2021. Collection method: clinical testing. Allele origin: germline. Affected: yes.

PreventionGenetics, part of Exact Sciences
Classification: Benign for TCTN2-related condition. Last evaluated: 2020-02-10. Review status: no assertion criteria provided. Collection method: clinical testing. Allele origin: germline. Not counted in ClinVar's aggregate classification.
Comment: This variant is classified as benign based on ACMG/AMP sequence variant interpretation guidelines (Richards et al. 2015 PMID: 25741868, with internal and published modifications).